The following is an entry in ClinVar:

NM_000158.4(GBE1):c.1522C>G (p.Pro508Ala)

Gene: GBE1 (1,4-alpha-glucan branching enzyme 1; minus strand). Cytogenetic location: 3p12.2.
Variant type: single nucleotide variant.
Coding change: c.1522C>G on transcript NM_000158.4 (MANE Select); coding-DNA position 1522, C replaced by G.
Protein change: p.Pro508Ala; replaces proline 508 with alanine.
Molecular consequence: missense variant.
Genome position (GRCh38, 1-based): chr3:81,578,021, G>C on the plus strand (C>G on the coding strand, the complement: GBE1 is on the minus strand). VCF-style: chr3-81578021-G-C. GRCh37 (hg19) VCF-style: chr3-81627172-G-C.
Other names: short protein forms P508A.
Identifiers: ClinVar variation 1114846 (VCV001114846.10), dbSNP rs200544679, ClinGen allele CA2499633.

ClinVar aggregate classification (germline): Conflicting classifications of pathogenicity. Review status: criteria provided, conflicting classifications (1 of 4 stars). 2 submissions from 2 submitters: Uncertain significance (1); Likely benign (1). Last evaluated 2026-01-25.

Conditions:
Glycogen storage disease, type IV (GSD4). Also called: AMYLOPECTINOSIS; ANDERSEN DISEASE; BRANCHER DEFICIENCY; CIRRHOSIS, FAMILIAL, WITH DEPOSITION OF ABNORMAL GLYCOGEN; Glycogen storage disease due to glycogen branching enzyme deficiency; GBE1 DEFICIENCY. Identifiers: Orphanet 367, MedGen C0017923, MONDO:0009292, OMIM 232500.
Glycogen storage disease IV, classic hepatic. Also called: GSD IV, CLASSIC HEPATIC. Identifiers: MedGen C1856301.

Allele frequency attached by ClinVar (database versions not stated): gnomAD 0.00007 and 0.00008; TOPMed 0.00007; ESP Exome Variant Server 0.00008; gnomAD exomes 0.00008 and 0.00011; ExAC 0.00012.
gnomAD v4.1: 138 of 1,609,466 alleles (0.0086%); highest among the groups gnomAD compares: Non-Finnish European, 0.004%; no homozygotes.

Submissions (2):

Labcorp Genetics (formerly Invitae), Labcorp
Classification: Likely benign for Glycogen storage disease, type IV; Glycogen storage disease IV, classic hepatic. Last evaluated: 2026-01-25. Review status: criteria provided, single submitter. Criteria: Invitae Variant Classification Sherloc (09022015). Collection method: clinical testing. Allele origin: germline.

GeneDx
Classification: Uncertain significance. Last evaluated: 2024-01-19. Review status: criteria provided, single submitter. Criteria: GeneDx Variant Classification Process June 2021. Collection method: clinical testing. Allele origin: germline. Affected: yes.
Comment: In silico analysis supports that this missense variant has a deleterious effect on protein structure/function; Has not been previously published as pathogenic or benign to our knowledge